The following is an entry in ClinVar:

NM_000545.8(HNF1A):c.403G>A (p.Asp135Asn)

Gene: HNF1A (HNF1 homeobox A; plus strand). Cytogenetic location: 12q24.31.
Variant type: single nucleotide variant.
Coding change: c.403G>A on transcript NM_000545.8 (MANE Select); coding-DNA position 403, G replaced by A.
Protein change: p.Asp135Asn; replaces aspartic acid 135 with asparagine.
Molecular consequence: missense variant.
Genome position (GRCh38, 1-based): chr12:120,988,909, G>A. VCF-style: chr12-120988909-G-A. GRCh37 (hg19) VCF-style: chr12-121426712-G-A.
Other names: NM_001306179.2:c.403G>A; c.403G>A, p.Asp135Asn (NM_001306179.2); short protein forms D135N.
Identifiers: ClinVar variation 1700000 (VCV001700000.3), dbSNP rs1876671241, ClinGen allele CA386959579.

ClinVar aggregate classification (germline): Uncertain significance. Review status: reviewed by expert panel (3 of 4 stars). 2 submissions from 2 submitters: Uncertain significance (1). 1 of the submissions does not count toward it. Last evaluated 2025-11-26.

Conditions:
HNF1A-related disorders.
Monogenic diabetes. Identifiers: Orphanet 183625, MedGen C3888631, MONDO:0015967.

Allele frequency attached by ClinVar (database versions not stated): gnomAD exomes below 0.00001.
gnomAD v4.1: 2 of 1,614,220 alleles (0.00012%); highest among the groups gnomAD compares: Non-Finnish European, 0.00017%; no homozygotes.

Submissions (2):

ClinGen Monogenic Diabetes Variant Curation Expert Panel
Classification: Uncertain significance for Monogenic diabetes. Last evaluated: 2025-11-26. Review status: reviewed by expert panel. Criteria: ClinGen Diabetes ACMG Specifications HNF1A V3.1.0. Collection method: curation. Allele origin: germline. Inheritance: Autosomal dominant inheritance.
Comment: The c.403G>A variant in the HNF1 homeobox A gene, HNF1A, causes an amino acid change of aspartic acid to asparagine at codon 135 (p.(Asp135Asn)) of NM_000545.8. This variant is located within a conserved region of the DNA binding domain (codons 107-174 and 201-280) of HNF1A, which is defined as critical for the protein’s function by the ClinGen MDEP (PM1_Supporting). This variant is also predicted to be deleterious by computational evidence, with a REVEL score of 0.837, which is greater than the MDEP VCEP threshold of 0.70 (PP3). This variant has a gnomAD v4.1.0 Grpmax filtering allele frequency of 2.80e-7, which is below the ClinGen MDEP threshold of 0.000003 (PM2_Supporting). This variant was identified in two unrelated individuals with diabetes; however, PS4_Moderate cannot be applied because this number is below the ClinGen MDEP threshold (PMID: 29207974, internal lab contributors). Additionally. the published case was stated to have antibody negative DM but not to meet classical diagnostic criteria for MODY. This variant was identified in an individual with a clinical history suggestive of HNF1A-MODY (MODY probability calculator result >50%); however, HNF4A was not tested; therefore PP4 cannot be applied (internal lab contributors). This variant segregated with diabetes with three informative meioses in one family (PP1; internal lab contributors). In summary, the c.403G>A variant meets the criteria to be classified as a variant of uncertain significance for monogenic diabetes. ACMG/AMP criteria applied, as specified by the ClinGen MDEP (specification version 3.1.0, approved 10/10/2025): PP1, PP3, PM1_Supporting, PM2_Supporting.

Blueprint Genetics
Classification: Likely pathogenic for HNF1A-related disorders. Last evaluated: 2023-04-05. Review status: criteria provided, single submitter. Criteria: ACMG Guidelines, 2015. Collection method: clinical testing. Allele origin: germline. Affected: yes. Observed: 1 variant allele. Not counted in ClinVar's aggregate classification.

Literature cited by the submitters: PubMed 29207974 (cited by ClinGen Monogenic Diabetes Variant Curation Expert Panel).